The following is an entry in ClinVar:

ClinVar aggregate classification (germline): Uncertain significance (1 of 4 stars; one submission).

Conditions:
MAGEL2-related disorder. Also called: MAGEL2-related condition.

Submission:

PreventionGenetics, part of Exact Sciences
Classification: Uncertain significance for MAGEL2-related condition. Last evaluated: 2026-07-09. Review status: criteria provided, single submitter. Criteria: ACMG Guidelines, 2015. Collection method: clinical testing. Allele origin: germline.
Comment: The MAGEL2 c.2515C>A variant is predicted to result in the amino acid substitution p.Gln839Lys. To our knowledge, this variant has not been reported in the literature or in a large population database (gnomAD), indicating this variant is rare. At this time, the clinical significance of this variant is uncertain due to the absence of conclusive functional and genetic evidence.

NM_019066.5(MAGEL2):c.2515C>A (p.Gln839Lys)

Gene: MAGEL2 (MAGE family member L2; minus strand). Cytogenetic location: 15q11.2.
Variant type: single nucleotide variant.
Coding change: c.2515C>A on transcript NM_019066.5 (MANE Select); coding-DNA position 2515, C replaced by A.
Protein change: p.Gln839Lys; replaces glutamine 839 with lysine.
Molecular consequence: missense variant.
Genome position (GRCh38, 1-based): chr15:23,645,228, G>T on the plus strand (C>A on the coding strand, the complement: MAGEL2 is on the minus strand). VCF-style: chr15-23645228-G-T. GRCh37 (hg19) VCF-style: chr15-23890375-G-T.
Other names: short protein forms Q839K.
Identifiers: ClinVar variation 4996373 (VCV004996373.1).